The following is an entry in ClinVar:

NM_001267550.1(TTN):c.106531+2T>A

Genes: TTN (titin; minus strand), TTN-AS1 (TTN antisense RNA 1; plus strand). Cytogenetic location: 2q31.2.
Variant type: single nucleotide variant.
Coding change: c.106531+2T>A on transcript NM_001267550.1; the canonical splice donor site of the intron after coding-DNA position 106531, T replaced by A.
Molecular consequence: splice donor variant (on NM_001267550.2).
Genome position (GRCh38, 1-based): chr2:178,529,958, A>T on the plus strand (T>A on the coding strand, the complement: TTN is on the minus strand). VCF-style: chr2-178529958-A-T. GRCh37 (hg19) VCF-style: chr2-179394685-A-T.
Other names: c.79336+2T>A (NM_003319.4); c.79912+2T>A (NM_133437.4); c.79711+2T>A (NM_133432.3); c.98827+2T>A (NM_133378.4); c.101608+2T>A (NM_001256850.1); c.106531+2T>A (NM_001267550.2).
Identifiers: ClinVar variation 242431 (VCV000242431.2), dbSNP rs878854373, ClinGen allele CA16616824.

ClinVar aggregate classification (germline): Likely pathogenic (1 of 4 stars; one submission).

Conditions:
Cardiovascular phenotype. Identifiers: MedGen CN230736.

Allele frequency attached by ClinVar (database versions not stated): gnomAD exomes below 0.00001.
gnomAD v4.1: 4 of 1,587,042 alleles (0.00025%); highest among the groups gnomAD compares: Non-Finnish European, 0.00034%; no homozygotes.

Submission:

Ambry Genetics
Classification: Likely pathogenic for Cardiovascular phenotype. Last evaluated: 2023-12-04. Review status: criteria provided, single submitter. Criteria: Ambry Variant Classification Scheme 2023. Collection method: clinical testing. Allele origin: germline.
Comment: The c.79336+2T>A intronic variant results from a T to A substitution two nucleotides after coding exon 186 in the TTN gene. In silico splice site analysis predicts that this alteration will weaken the native splice donor site. Exon 186 is located in the M-band region of the N2-B isoform of the titin protein and is constitutively expressed in TTN transcripts (percent spliced in or PSI 100%). This variant (referred to as NM 001267550.1:c.106531+2T>A) has been reported to co-occur with a second truncating M-band TTN variant (phase unknown) in an individual with congenital muscular dystrophy, and was also reported in an additional individual with myopathy phenotype in whom a second potentially causative variant was not identified (Punetha J et al. J Neuromuscul Dis, 2016 May;3:209-225; Evil&auml; A et al. Neuromuscul Disord, 2016 Jan;26:7-15). This variant is considered to be rare based on population cohorts in the Genome Aggregation Database (gnomAD). This alteration disrupts the canonical splice site and is expected to cause aberrant splicing, resulting in an abnormal protein or a transcript that is subject to nonsense-mediated mRNA decay. While loss of function variants in TTN are present in 1-3% of the general population, truncating variants (a category that includes canonical splice site variants) in the M-band have been reported in association with autosomal recessive titinopathies, primarily presenting with skeletal myopathy phenotypes (Ceyhan-Birsoy O et al. Neurology. 2013 Oct 1;81(14):1205-14; De Cid R et al. Neurology. 2015;85(24):2126-35). In addition, regardless of their position, TTN truncating variants encoded in constitutive exons (PSI >90%) have been found to be significantly associated with dilated cardiomyopathy (DCM), though truncating variants in the A-band are the most common cause of DCM (Herman DS et al. N. Engl. J. Med., 2012 Feb;366:619-28; Roberts AM et al. Sci Transl Med, 2015 Jan;7:270ra6; Schafer S et al. Nat. Genet., 2017 01;49:46-53). Based on the majority of available evidence to date, this variant is likely to be pathogenic in association with autosomal recessive titinopathy; however, the clinical significance of this alteration with respect to cardiomyopathy remains unclear.

Literature cited by the submitters: PubMed 26627873; PubMed 27854218.